The following is an entry in ClinVar:

NM_005612.5(REST):c.2866A>G (p.Arg956Gly)

Gene: REST (RE1 silencing transcription factor; plus strand). Cytogenetic location: 4q12.
Variant type: single nucleotide variant.
Coding change: c.2866A>G on transcript NM_005612.5 (MANE Select); coding-DNA position 2866, A replaced by G.
Protein change: p.Arg956Gly; replaces arginine 956 with glycine.
Molecular consequence: missense variant.
Genome position (GRCh38, 1-based): chr4:56,931,724, A>G. VCF-style: chr4-56931724-A-G. GRCh37 (hg19) VCF-style: chr4-57797890-A-G.
Other names: c.2866A>G, p.Arg956Gly (NM_001193508.2, NM_001363453.3); short protein forms R956G.
Identifiers: ClinVar variation 2066191 (VCV002066191.8), dbSNP rs958211796, ClinGen allele CA97637436.

ClinVar aggregate classification (germline): Conflicting classifications of pathogenicity. Review status: criteria provided, conflicting classifications (1 of 4 stars). 4 submissions from 4 submitters: Uncertain significance (3); Likely benign (1). Last evaluated 2026-03-14.

Conditions:
REST-related disorder. Also called: REST-related condition.
Inborn genetic diseases. Identifiers: MedGen C0950123, MeSH D030342.

Allele frequency attached by ClinVar (database versions not stated): gnomAD exomes 0.00001; gnomAD 0.00011; TOPMed 0.00032.

Submissions (4):

PreventionGenetics, part of Exact Sciences
Classification: Uncertain significance for REST-related condition. Last evaluated: 2026-03-14. Review status: criteria provided, single submitter. Criteria: ACMG Guidelines, 2015. Collection method: clinical testing. Allele origin: germline.
Comment: The REST c.2866A>G variant is predicted to result in the amino acid substitution p.Arg956Gly. To our knowledge, this variant has not been reported in the literature. This variant is reported in 0.0029% of alleles in individuals of Latino descent in gnomAD. At this time, the clinical significance of this variant is uncertain due to the absence of conclusive functional and genetic evidence.

Labcorp Genetics (formerly Invitae), Labcorp
Classification: Uncertain significance. Last evaluated: 2025-11-17. Review status: criteria provided, single submitter. Criteria: Invitae Variant Classification Sherloc (09022015). Collection method: clinical testing. Allele origin: germline.
Comment: This sequence change replaces arginine, which is basic and polar, with glycine, which is neutral and non-polar, at codon 956 of the REST protein (p.Arg956Gly). This variant is present in population databases (no rsID available, gnomAD no frequency). This variant has not been reported in the literature in individuals affected with REST-related conditions. ClinVar contains an entry for this variant (Variation ID: 2066191). An algorithm developed to predict the effect of missense changes on protein structure and function (PolyPhen-2) suggests that this variant is likely to be tolerated. In summary, the available evidence is currently insufficient to determine the role of this variant in disease. Therefore, it has been classified as a Variant of Uncertain Significance.

Ambry Genetics
Classification: Uncertain significance for Inborn genetic diseases. Last evaluated: 2024-06-25. Review status: criteria provided, single submitter. Criteria: Ambry Variant Classification Scheme 2023. Collection method: clinical testing. Allele origin: germline.

Blueprint Genetics
Classification: Likely benign. Last evaluated: 2019-12-19. Review status: criteria provided, single submitter. Criteria: ACMG Guidelines, 2015. Collection method: clinical testing. Allele origin: germline.